The following is an entry in ClinVar:

NM_013275.6(ANKRD11):c.1147A>G (p.Ile383Val)

Gene: ANKRD11 (ankyrin repeat domain 11; minus strand). Cytogenetic location: 16q24.3.
Variant type: single nucleotide variant.
Coding change: c.1147A>G on transcript NM_013275.6 (MANE Select); coding-DNA position 1147, A replaced by G.
Protein change: p.Ile383Val; replaces isoleucine 383 with valine.
Molecular consequence: missense variant.
Genome position (GRCh38, 1-based): chr16:89,285,395, T>C on the plus strand (A>G on the coding strand, the complement: ANKRD11 is on the minus strand). VCF-style: chr16-89285395-T-C. GRCh37 (hg19) VCF-style: chr16-89351803-T-C.
Other names: c.1147A>G, p.Ile383Val (NM_001256182.2, NM_001256183.2); short protein forms I383V.
Identifiers: ClinVar variation 1732814 (VCV001732814.6), dbSNP rs371142732, ClinGen allele CA8242847.

ClinVar aggregate classification (germline): Conflicting classifications of pathogenicity. Review status: criteria provided, conflicting classifications (1 of 4 stars). 2 submissions from 2 submitters: Uncertain significance (1); Likely benign (1). Last evaluated 2024-05-20.

Conditions:
KBG syndrome (KBGS). Also called: ANKRD11-Related KBG Syndrome. Identifiers: Orphanet 2332, MedGen C0220687, MONDO:0007846, OMIM 148050.
Inborn genetic diseases. Identifiers: MedGen C0950123, MeSH D030342.

Allele frequency attached by ClinVar (database versions not stated): gnomAD exomes 0.00002; TOPMed 0.00004; gnomAD 0.00005; ExAC 0.00006; ESP Exome Variant Server 0.00015.
gnomAD v4.1: 38 of 1,614,078 alleles (0.0024%); highest among the groups gnomAD compares: Middle Eastern, 0.016%; no homozygotes.

Submissions (2):

Labcorp Genetics (formerly Invitae), Labcorp
Classification: Uncertain significance for KBG syndrome. Last evaluated: 2024-05-20. Review status: criteria provided, single submitter. Criteria: Invitae Variant Classification Sherloc (09022015). Collection method: clinical testing. Allele origin: germline.
Comment: This sequence change replaces isoleucine, which is neutral and non-polar, with valine, which is neutral and non-polar, at codon 383 of the ANKRD11 protein (p.Ile383Val). This variant is present in population databases (rs371142732, gnomAD 0.02%). This variant has not been reported in the literature in individuals affected with ANKRD11-related conditions. ClinVar contains an entry for this variant (Variation ID: 1732814). Advanced modeling of protein sequence and biophysical properties (such as structural, functional, and spatial information, amino acid conservation, physicochemical variation, residue mobility, and thermodynamic stability) performed at Invitae indicates that this missense variant is not expected to disrupt ANKRD11 protein function with a negative predictive value of 95%. In summary, the available evidence is currently insufficient to determine the role of this variant in disease. Therefore, it has been classified as a Variant of Uncertain Significance.

Ambry Genetics
Classification: Likely benign for Inborn genetic diseases. Last evaluated: 2023-02-16. Review status: criteria provided, single submitter. Criteria: Ambry Variant Classification Scheme 2023. Collection method: clinical testing. Allele origin: germline.